The following is an entry in ClinVar:

NM_000701.8(ATP1A1):c.1317C>A (p.Asn439Lys)

Gene: ATP1A1 (ATPase Na+/K+ transporting subunit alpha 1; plus strand). Cytogenetic location: 1p13.1.
Variant type: single nucleotide variant.
Coding change: c.1317C>A on transcript NM_000701.8 (MANE Select); coding-DNA position 1317, C replaced by A.
Protein change: p.Asn439Lys; replaces asparagine 439 with lysine.
Molecular consequence: missense variant.
Genome position (GRCh38, 1-based): chr1:116,390,876, C>A. VCF-style: chr1-116390876-C-A. GRCh37 (hg19) VCF-style: chr1-116933498-C-A.
Other names: c.1317C>A, p.Asn439Lys (NM_001160233.2); c.1224C>A, p.Asn408Lys (NM_001160234.2); short protein forms N408K, N439K.
Identifiers: ClinVar variation 1386148 (VCV001386148.6), dbSNP rs750607710, ClinGen allele CA341844939.

ClinVar aggregate classification (germline): Uncertain significance (1 of 4 stars; one submission).

Submission:

Labcorp Genetics (formerly Invitae), Labcorp
Classification: Uncertain significance. Last evaluated: 2025-05-16. Review status: criteria provided, single submitter. Criteria: Invitae Variant Classification Sherloc (09022015). Collection method: clinical testing. Allele origin: germline.
Comment: This sequence change replaces asparagine, which is neutral and polar, with lysine, which is basic and polar, at codon 439 of the ATP1A1 protein (p.Asn439Lys). This variant is not present in population databases (gnomAD no frequency). This variant has not been reported in the literature in individuals affected with ATP1A1-related conditions. ClinVar contains an entry for this variant (Variation ID: 1386148). Invitae Evidence Modeling of protein sequence and biophysical properties (such as structural, functional, and spatial information, amino acid conservation, physicochemical variation, residue mobility, and thermodynamic stability) indicates that this missense variant is not expected to disrupt ATP1A1 protein function with a negative predictive value of 95%. In summary, the available evidence is currently insufficient to determine the role of this variant in disease. Therefore, it has been classified as a Variant of Uncertain Significance.